The following is an entry in ClinVar:

NC_000009.11:g.(?_97863989)_(97864152_?)del

Gene: FANCC (FA complementation group C; minus strand). Cytogenetic location: 9q22.32.
Variant type: Deletion.
Identifiers: ClinVar variation 3245061 (VCV003245061.1).

ClinVar aggregate classification (germline): Pathogenic (1 of 4 stars; one submission).

Conditions:
Fanconi anemia (FA). Also called: Fanconi's anemia. Identifiers: Orphanet 84, MedGen C0015625, MeSH D005199, MONDO:0019391.

Submission:

Labcorp Genetics (formerly Invitae), Labcorp
Classification: Pathogenic for Fanconi anemia. Last evaluated: 2022-11-23. Review status: criteria provided, single submitter. Criteria: Invitae Variant Classification Sherloc (09022015). Collection method: clinical testing. Allele origin: unknown.
Comment: For these reasons, this variant has been classified as Pathogenic. This variant disrupts a region of the FANCC protein in which other variant(s) (p.Arg548*) have been determined to be pathogenic (PMID: 8103176, 8882868, 24584348). This suggests that this is a clinically significant region of the protein, and that variants that disrupt it are likely to be disease-causing. This variant has not been reported in the literature in individuals affected with FANCC-related conditions. This variant is a gross deletion of the genomic region encompassing exon(s) 15 of the FANCC gene, which includes the termination codon. This deletion extends beyond the assayed region for this gene and therefore may encompass additional genes. While this deletion is not anticipated to lead to nonsense mediated decay, it is expected to alter mRNA translation or result in a truncated protein product.

Literature cited by the submitters: PubMed 8103176; PubMed 8882868; PubMed 24584348.